The following is an entry in ClinVar:

NM_000744.7(CHRNA4):c.663G>T (p.Arg221Ser)

Gene: CHRNA4 (cholinergic receptor nicotinic alpha 4 subunit; minus strand). Cytogenetic location: 20q13.33.
Variant type: single nucleotide variant.
Coding change: c.663G>T on transcript NM_000744.7 (MANE Select); coding-DNA position 663, G replaced by T.
Protein change: p.Arg221Ser; replaces arginine 221 with serine.
Molecular consequence: missense variant. On other transcripts: non-coding transcript variant (1).
Genome position (GRCh38, 1-based): chr20:63,350,748, C>A on the plus strand (G>T on the coding strand, the complement: CHRNA4 is on the minus strand). VCF-style: chr20-63350748-C-A. GRCh37 (hg19) VCF-style: chr20-61982100-C-A.
Other names: c.135G>T, p.Arg45Ser (NM_001256573.2); short protein forms R221S, R45S.
Identifiers: ClinVar variation 2086627 (VCV002086627.4), dbSNP rs1174421657, ClinGen allele CA409637261.
Genomic context (GRCh38, chr20:63,350,748, plus strand): 5'-CCGCCGGATGACGAAGGCATAGGTGATGTCCGGGTAGATCTCGGCACAGCACTCGTACTT[C>A]CTGGTGTTGTAGGTGCCCACGGCATCCACGATGACCCACTCGCCACTCTCCCAGAAGTCC-3'
Protein context (NP_000735.1, residues 211-231): IVDAVGTYNT[Arg221Ser]KYECCAEIYP

ClinVar aggregate classification (germline): Uncertain significance (1 of 4 stars; one submission).

Conditions:
Familial sleep-related hypermotor epilepsy. Also called: Autosomal Dominant Sleep-Related Hypermotor (Hyperkinetic) Epilepsy. Identifiers: Orphanet 98784, MedGen C3696898, MONDO:0000030.

Submission:

Labcorp Genetics (formerly Invitae), Labcorp
Classification: Uncertain significance. Last evaluated: 2022-01-17. Review status: criteria provided, single submitter. Criteria: Invitae Variant Classification Sherloc (09022015). Collection method: clinical testing. Allele origin: germline.
Comment: In summary, the available evidence is currently insufficient to determine the role of this variant in disease. Therefore, it has been classified as a Variant of Uncertain Significance. Algorithms developed to predict the effect of sequence changes on RNA splicing suggest that this variant may create or strengthen a splice site. Algorithms developed to predict the effect of missense changes on protein structure and function are either unavailable or do not agree on the potential impact of this missense change (SIFT: "Deleterious"; PolyPhen-2: "Possibly Damaging"; Align-GVGD: "Class C0"). This variant has not been reported in the literature in individuals affected with CHRNA4-related conditions. This variant is not present in population databases (gnomAD no frequency). This sequence change replaces arginine, which is basic and polar, with serine, which is neutral and polar, at codon 221 of the CHRNA4 protein (p.Arg221Ser).